The following is an entry in ClinVar:

NM_000392.5(ABCC2):c.731C>T (p.Thr244Met)

Gene: ABCC2 (ATP binding cassette subfamily C member 2; plus strand). Cytogenetic location: 10q24.2.
Variant type: single nucleotide variant.
Coding change: c.731C>T on transcript NM_000392.5 (MANE Select); coding-DNA position 731, C replaced by T.
Protein change: p.Thr244Met; replaces threonine 244 with methionine.
Molecular consequence: missense variant.
Genome position (GRCh38, 1-based): chr10:99,797,195, C>T. VCF-style: chr10-99797195-C-T. GRCh37 (hg19) VCF-style: chr10-101556952-C-T.
Other names: p.Thr244Met; c.731C>T (NM_000392.3); short protein forms T244M.
Identifiers: ClinVar variation 3356993 (VCV003356993.3).

ClinVar aggregate classification (germline): Uncertain significance. Review status: criteria provided, multiple submitters, no conflicts (2 of 4 stars). 3 submissions from 3 submitters: Uncertain significance (2). 1 of the submissions does not count toward it. Last evaluated 2025-06-24.

Conditions:
ABCC2-related disorder. Also called: ABCC2-related condition.
Inborn genetic diseases. Identifiers: MedGen C0950123, MeSH D030342.

gnomAD v4.1: 35 of 1,614,144 alleles (0.0022%); highest among the groups gnomAD compares: Admixed American, 0.0033%; no homozygotes.

Submissions (3):

Mayo Clinic Laboratories, Mayo Clinic
Classification: Uncertain significance. Last evaluated: 2025-06-24. Review status: criteria provided, single submitter. Criteria: ACMG Guidelines, 2015. Collection method: clinical testing. Allele origin: germline. Observed: 1 variant allele.
Comment: BP4_moderate, PM2_supporting

Ambry Genetics
Classification: Uncertain significance for Inborn genetic diseases. Last evaluated: 2024-12-02. Review status: criteria provided, single submitter. Criteria: Ambry Variant Classification Scheme 2023. Collection method: clinical testing. Allele origin: germline.

PreventionGenetics, part of Exact Sciences
Classification: Uncertain significance for ABCC2-related condition. Last evaluated: 2024-07-15. Review status: no assertion criteria provided. Collection method: clinical testing. Allele origin: germline. Not counted in ClinVar's aggregate classification.
Comment: The ABCC2 c.731C>T variant is predicted to result in the amino acid substitution p.Thr244Met. To our knowledge, this variant has not been reported in the literature. This variant is reported in 0.0056% of alleles in individuals of Latino descent in gnomAD. At this time, the clinical significance of this variant is uncertain due to the absence of conclusive functional and genetic evidence.